The following is an entry in ClinVar:

NM_000384.3(APOB):c.9221A>G (p.Tyr3074Cys)

Gene: APOB (apolipoprotein B; minus strand). Cytogenetic location: 2p24.1.
Variant type: single nucleotide variant.
Coding change: c.9221A>G on transcript NM_000384.3 (MANE Select); coding-DNA position 9221, A replaced by G.
Protein change: p.Tyr3074Cys; replaces tyrosine 3074 with cysteine.
Molecular consequence: missense variant.
Genome position (GRCh38, 1-based): chr2:21,007,647, T>C on the plus strand (A>G on the coding strand, the complement: APOB is on the minus strand). VCF-style: chr2-21007647-T-C. GRCh37 (hg19) VCF-style: chr2-21230519-T-C.
Other names: short protein forms Y3074C.
Identifiers: ClinVar variation 237753 (VCV000237753.17), dbSNP rs372902533, ClinGen allele CA066381.

ClinVar aggregate classification (germline): Conflicting classifications of pathogenicity. Review status: criteria provided, conflicting classifications (1 of 4 stars). 5 submissions from 5 submitters: Uncertain significance (4); Likely benign (1). Last evaluated 2026-10-16.

Conditions:
Hypercholesterolemia, autosomal dominant, type B (FHCL2). Also called: Familial hypercholesterolemia 2; Familial Hypercholesterolemia Type B; APOLIPOPROTEIN B-100, FAMILIAL DEFECTIVE; APOLIPOPROTEIN B-100, FAMILIAL LIGAND-DEFECTIVE; HYPERCHOLESTEROLEMIA, FAMILIAL, DUE TO LIGAND-DEFECTIVE APOLIPOPROTEIN B; APOB-Related Familial Hypercholesterolemia, Autosomal Dominant. Identifiers: MedGen C1704417, MONDO:0007751, OMIM 144010.
Familial hypobetalipoproteinemia 1. Also called: APOB-Related Familial Hypobetalipoproteinemia; Hypobetalipoproteinemia, normotriglyceridemic; Acanthocytosis with hypobetalipoproteinemia. Identifiers: MedGen C4551990, MONDO:0014252, OMIM 615558.
Familial hypercholesterolemia. Also called: Familial hypercholesterolemias; Familial hypercholesterolaemia. Identifiers: MedGen C0020445, MONDO:0005439.

Allele frequency attached by ClinVar (database versions not stated): TOPMed 0.00001; ESP Exome Variant Server 0.00015.
gnomAD v4.1: 30 of 1,614,130 alleles (0.0019%); highest among the groups gnomAD compares: Admixed American, 0.0033%; no homozygotes.

Submissions (5):

Cambridge Genomics Laboratory, East Genomic Laboratory Hub, NHS Genomic Medicine Service
Classification: Uncertain significance for Familial hypercholesterolaemia. Last evaluated: 2026-10-16. Review status: criteria provided, single submitter. Criteria: ACGS Best Practice Guidelines for Variant Classification in Rare Disease 2020. Collection method: clinical testing. Allele origin: germline. Affected: yes.
Comment: PM2_Supporting,PP4

Labcorp Genetics (formerly Invitae), Labcorp
Classification: Likely benign for Familial hypobetalipoproteinemia 1; Hypercholesterolemia, autosomal dominant, type B. Last evaluated: 2025-08-20. Review status: criteria provided, single submitter. Criteria: Invitae Variant Classification Sherloc (09022015). Collection method: clinical testing. Allele origin: germline.

Blueprint Genetics
Classification: Uncertain significance. Last evaluated: 2024-06-06. Review status: criteria provided, single submitter. Criteria: ACMG Guidelines, 2015. Collection method: clinical testing. Allele origin: germline.

Fulgent Genetics
Classification: Uncertain significance for Hypercholesterolemia, autosomal dominant, type B; Familial hypobetalipoproteinemia 1. Last evaluated: 2021-07-13. Review status: criteria provided, single submitter. Criteria: ACMG Guidelines, 2015. Collection method: clinical testing. Allele origin: unknown.

Molecular Diagnostic Laboratory for Inherited Cardiovascular Disease, Montreal Heart Institute
Classification: Uncertain significance. Review status: criteria provided, single submitter. Criteria: ACMG Guidelines, 2015. Collection method: clinical testing. Allele origin: germline. Affected: yes.